The following is an entry in ClinVar:

NM_004655.4(AXIN2):c.2347G>T (p.Ala783Ser)

Gene: AXIN2 (axin 2; minus strand). Cytogenetic location: 17q24.1.
Variant type: single nucleotide variant.
Coding change: c.2347G>T on transcript NM_004655.4 (MANE Select); coding-DNA position 2347, G replaced by T.
Protein change: p.Ala783Ser; replaces alanine 783 with serine.
Molecular consequence: missense variant.
Genome position (GRCh38, 1-based): chr17:65,533,970, C>A on the plus strand (G>T on the coding strand, the complement: AXIN2 is on the minus strand). VCF-style: chr17-65533970-C-A. GRCh37 (hg19) VCF-style: chr17-63530088-C-A.
Other names: c.2347G>T (LRG_296t1); c.2152G>T, p.Ala718Ser (NM_001363813.1); short protein forms A783S, A718S.
Identifiers: ClinVar variation 464607 (VCV000464607.21), dbSNP rs760217787, ClinGen allele CA8718320.

ClinVar aggregate classification (germline): Conflicting classifications of pathogenicity. Review status: criteria provided, conflicting classifications (1 of 4 stars). 5 submissions from 5 submitters: Uncertain significance (4); Likely benign (1). Last evaluated 2026-08-05.

Conditions:
AXIN2-related disorder.
Hereditary cancer-predisposing syndrome. Also called: Tumor predisposition; Hereditary neoplastic syndrome; Neoplastic Syndromes, Hereditary; Hereditary Cancer Syndrome. Identifiers: Orphanet 140162, MedGen C0027672, MeSH D009386, MONDO:0015356.
Colorectal cancer. Also called: Malignant Colorectal Neoplasm; Colorectal cancer, somatic. Identifiers: MedGen C0346629, MONDO:0005575, OMIM 114500.
Oligodontia-cancer predisposition syndrome. Also called: TOOTH AGENESIS-COLORECTAL CANCER SYNDROME. Identifiers: Orphanet 300576, MedGen C1837750, MONDO:0012075, OMIM 608615. Disease mechanism: loss of function.

Allele frequency attached by ClinVar (database versions not stated): gnomAD 0.00001; gnomAD exomes 0.00001; ExAC 0.00002; TOPMed 0.00002.
gnomAD v4.1: 18 of 1,614,086 alleles (0.0011%); highest among the groups gnomAD compares: Admixed American, 0.005%; no homozygotes.

Submissions (5):

PreventionGenetics, part of Exact Sciences
Classification: Uncertain significance for AXIN2-related condition. Last evaluated: 2026-08-05. Review status: criteria provided, single submitter. Criteria: ACMG Guidelines, 2015. Collection method: clinical testing. Allele origin: germline.
Comment: The AXIN2 c.2347G>T variant is predicted to result in the amino acid substitution p.Ala783Ser. This variant was reported in two members of a family with non-syndromic tooth agenesis, but it did not segregate with disease as multiple affected individuals did not have the variant (Haddaji Mastouri et al. 2016. PubMed ID: 27491081). This variant is reported in 0.0029% of alleles in individuals of Latino descent in gnomAD and has conflicting interpretations ranging from likely benign to uncertain in ClinVar (Variation ID: 464607). At this time, the clinical significance of this variant is uncertain due to the absence of conclusive functional and genetic evidence.

Labcorp Genetics (formerly Invitae), Labcorp
Classification: Uncertain significance for Oligodontia-cancer predisposition syndrome. Last evaluated: 2026-01-26. Review status: criteria provided, single submitter. Criteria: Invitae Variant Classification Sherloc (09022015). Collection method: clinical testing. Allele origin: germline.
Comment: This sequence change replaces alanine, which is neutral and non-polar, with serine, which is neutral and polar, at codon 783 of the AXIN2 protein (p.Ala783Ser). This variant is present in population databases (rs760217787, gnomAD 0.006%). This variant has not been reported in the literature in individuals affected with AXIN2-related conditions. ClinVar contains an entry for this variant (Variation ID: 464607). Invitae Evidence Modeling of protein sequence and biophysical properties (such as structural, functional, and spatial information, amino acid conservation, physicochemical variation, residue mobility, and thermodynamic stability) indicates that this missense variant is not expected to disrupt AXIN2 protein function with a negative predictive value of 80%. In summary, the available evidence is currently insufficient to determine the role of this variant in disease. Therefore, it has been classified as a Variant of Uncertain Significance.

GeneDx
Classification: Uncertain significance. Last evaluated: 2024-09-17. Review status: criteria provided, single submitter. Criteria: GeneDx Variant Classification Process June 2021. Collection method: clinical testing. Allele origin: germline.
Comment: Observed to incompletely segregate with disease in a family with dental agenesis, in which all affected individuals harbored a PAX9 frameshift variant (PMID: 27491081); Not observed at significant frequency in large population cohorts (gnomAD); In silico analysis indicates that this missense variant does not alter protein structure/function; This variant is associated with the following publications: (PMID: 22941188, 15735151, 35723313, 27491081)

Baylor Genetics
Classification: Uncertain significance for Colorectal cancer. Last evaluated: 2024-02-24. Review status: criteria provided, single submitter. Criteria: ACMG Guidelines, 2015. Collection method: clinical testing. Allele origin: unknown.

Ambry Genetics
Classification: Likely benign for Hereditary cancer-predisposing syndrome. Last evaluated: 2024-01-30. Review status: criteria provided, single submitter. Criteria: Ambry Variant Classification Scheme 2023. Collection method: clinical testing. Allele origin: germline.

Literature cited by the submitters: PubMed 27491081 (cited by Ambry Genetics).